The following is an entry in ClinVar:

NM_004655.4(AXIN2):c.1726A>G (p.Ser576Gly)

Gene: AXIN2 (axin 2; minus strand). Cytogenetic location: 17q24.1.
Variant type: single nucleotide variant.
Coding change: c.1726A>G on transcript NM_004655.4 (MANE Select); coding-DNA position 1726, A replaced by G.
Protein change: p.Ser576Gly; replaces serine 576 with glycine.
Molecular consequence: missense variant. On other transcripts: intron variant (1).
Genome position (GRCh38, 1-based): chr17:65,537,050, T>C on the plus strand (A>G on the coding strand, the complement: AXIN2 is on the minus strand). VCF-style: chr17-65537050-T-C. GRCh37 (hg19) VCF-style: chr17-63533168-T-C.
Other names: c.1712+274A>G (NM_001363813.1); short protein forms S576G.
Identifiers: ClinVar variation 1778862 (VCV001778862.2), dbSNP rs2509408982, ClinGen allele CA400676738.
Genomic context (GRCh38, chr17:65,537,050, plus strand): 5'-CCCTGGCGGGCAGGGCCAGGCCCGGCTCCGTGCCTTTCCCATTGCGTTTGGGCAAGGTAC[T>C]GCCTCTGCTGCCGCTGTGGGGAACCAAGAACCACACCCAACCCAGAGACCCGGTTAAATC-3'
Protein context (NP_004646.3, residues 566-586): PSEQFGGSRG[Ser576Gly]TLPKRNGKGT

ClinVar aggregate classification (germline): Uncertain significance (1 of 4 stars; one submission).

Conditions:
Hereditary cancer-predisposing syndrome. Also called: Neoplastic Syndromes, Hereditary; Tumor predisposition; Hereditary Cancer Syndrome; Hereditary neoplastic syndrome. Identifiers: Orphanet 140162, MedGen C0027672, MeSH D009386, MONDO:0015356.

Submission:

Ambry Genetics
Classification: Uncertain significance for Hereditary cancer-predisposing syndrome. Last evaluated: 2022-04-22. Review status: criteria provided, single submitter. Criteria: Ambry Variant Classification Scheme 2023. Collection method: clinical testing. Allele origin: germline.
Comment: The p.S576G variant (also known as c.1726A>G), located in coding exon 6 of the AXIN2 gene, results from an A to G substitution at nucleotide position 1726. The serine at codon 576 is replaced by glycine, an amino acid with similar properties. This amino acid position is conserved. In addition, this alteration is predicted to be tolerated by in silico analysis. Since supporting evidence is limited at this time, the clinical significance of this alteration remains unclear.